The following is an entry in ClinVar:

NM_015466.4(PTPN23):c.2T>C (p.Met1Thr)

Genes: PTPN23 (protein tyrosine phosphatase non-receptor type 23; plus strand), PTPN23-DT (PTPN23 divergent transcript; minus strand). Cytogenetic location: 3p21.31.
Variant type: single nucleotide variant.
Coding change: c.2T>C on transcript NM_015466.4 (MANE Select); coding-DNA position 2, T replaced by C.
Protein change: p.Met1Thr; changes the start codon (methionine 1).
Molecular consequence: missense variant, initiator codon variant. On other transcripts: 5 prime UTR variant (1).
Genome position (GRCh38, 1-based): chr3:47,381,098, T>C. VCF-style: chr3-47381098-T-C. GRCh37 (hg19) VCF-style: chr3-47422588-T-C.
Other names: c.-249T>C (NM_001304482.2); short protein forms M1T.
Identifiers: ClinVar variation 2006621 (VCV002006621.5), dbSNP rs2546205263, ClinGen allele CA352532131.

ClinVar aggregate classification (germline): Uncertain significance (1 of 4 stars; one submission).

Submission:

Labcorp Genetics (formerly Invitae), Labcorp
Classification: Uncertain significance. Last evaluated: 2022-06-14. Review status: criteria provided, single submitter. Criteria: Invitae Variant Classification Sherloc (09022015). Collection method: clinical testing. Allele origin: germline.
Comment: This sequence change affects the initiator methionine of the PTPN23 mRNA. The next in-frame methionine is located at codon 7. In summary, the available evidence is currently insufficient to determine the role of this variant in disease. Therefore, it has been classified as a Variant of Uncertain Significance. Experimental studies and prediction algorithms are not available or were not evaluated, and the functional significance of this variant is currently unknown. This variant has not been reported in the literature in individuals affected with PTPN23-related conditions. This variant is not present in population databases (gnomAD no frequency).